The following is an entry in ClinVar:

ClinVar aggregate classification (germline): Benign (1 of 4 stars; one submission).

Conditions:
Congenital contractural arachnodactyly (CCA). Also called: BEALS SYNDROME; Beals-Hecht syndrome; Arthrogryposis, distal, type 9. Identifiers: Orphanet 115, MedGen C0220668, MONDO:0007363, OMIM 121050.

Allele frequency attached by ClinVar (database versions not stated): 1000 Genomes Project 0.01717; 1000 Genomes Project 30x 0.01749; gnomAD exomes 0.02155; gnomAD 0.03430 and 0.03528; TOPMed 0.03511.
gnomAD v4.1: 5,269 of 152,680 alleles (3.5%); highest among the groups gnomAD compares: Non-Finnish European, 5.6%; 134 homozygotes.

Submission:

Illumina Laboratory Services, Illumina
Classification: Benign for Congenital contractural arachnodactyly. Last evaluated: 2018-01-12. Review status: criteria provided, single submitter. Criteria: ICSL Variant Classification Criteria 13 December 2019. Collection method: clinical testing. Allele origin: germline.
Comment: This variant was observed in the ICSL laboratory as part of a predisposition screen in an ostensibly healthy population. It had not been previously curated by ICSL or reported in the Human Gene Mutation Database (HGMD: prior to June 1st, 2018), and was therefore a candidate for classification through an automated scoring system. Utilizing variant allele frequency, disease prevalence and penetrance estimates, and inheritance mode, an automated score was calculated to assess if this variant is too frequent to cause the disease. Based on the score and internal cut-off values, a variant classified as benign is not then subjected to further curation. The score for this variant resulted in a classification of benign for this disease.

NM_001999.4(FBN2):c.*819A>G

Gene: FBN2 (fibrillin 2; minus strand). Cytogenetic location: 5q23.3.
Variant type: single nucleotide variant.
Coding change: c.*819A>G on transcript NM_001999.4 (MANE Select); 819 bases downstream of the stop codon, A replaced by G.
Molecular consequence: 3 prime UTR variant.
Genome position (GRCh38, 1-based): chr5:128,258,636, T>C on the plus strand (A>G on the coding strand, the complement: FBN2 is on the minus strand). VCF-style: chr5-128258636-T-C. GRCh37 (hg19) VCF-style: chr5-127594328-T-C.
Identifiers: ClinVar variation 350739 (VCV000350739.5), dbSNP rs72783099, ClinGen allele CA10622450.
Genomic context (GRCh38, chr5:128,258,636, plus strand): 5'-GCAGCGCACCCTGGGTAAGAATGAGGTGTTGTGGGTAGCACATATGGTTCCTTGAGGTTA[T>C]GAGAAGGAAATACAGTACGGTTTGGCCTGCAATGCTAATGGTCTCACAAGCAGTCAAGGT-3'